The following is an entry in ClinVar:

NM_206933.4(USH2A):c.4486C>A (p.Pro1496Thr)

Gene: USH2A (usherin; minus strand). Cytogenetic location: 1q41.
Variant type: single nucleotide variant.
Coding change: c.4486C>A on transcript NM_206933.4 (MANE Select); coding-DNA position 4486, C replaced by A.
Protein change: p.Pro1496Thr; replaces proline 1496 with threonine.
Molecular consequence: missense variant.
Genome position (GRCh38, 1-based): chr1:216,175,393, G>T on the plus strand (C>A on the coding strand, the complement: USH2A is on the minus strand). VCF-style: chr1-216175393-G-T. GRCh37 (hg19) VCF-style: chr1-216348735-G-T.
Other names: c.4486C>A, p.Pro1496Thr (NM_007123.6); short protein forms P1496T.
Identifiers: ClinVar variation 5003797 (VCV005003797.1).

ClinVar aggregate classification (germline): Uncertain significance (1 of 4 stars; one submission).

Conditions:
USH2A-related disorder. Also called: USH2A-related disorders; USH2A-related condition. Identifiers: MedGen CN239332.

gnomAD v4.1: 1 of 1,613,762 alleles (0.000062%); highest among the groups gnomAD compares: Non-Finnish European, 0.000085%; no homozygotes.

Submission:

Myriad Genetics, Inc.
Classification: Uncertain significance for USH2A-related disorder. Last evaluated: 2025-07-23. Review status: criteria provided, single submitter. Criteria: Myriad Autosomal Dominant, Autosomal Recessive and X-Linked Classification Criteria (2023). Collection method: clinical testing. Allele origin: unknown.
Comment: NM_206933.2(USH2A):c.4486C>A(P1496T) is a missense variant classified as a variant of uncertain significance in the context of USH2A-related disorders. P1496T has been observed in a case with relevant disease (PMID: 36785559). Relevant functional assessments of this variant are not available in the literature. P1496T has not been observed in referenced population frequency databases. In summary, there is insufficient evidence to classify NM_206933.2(USH2A):c.4486C>A(P1496T) as pathogenic or benign. Please note: this variant was assessed in the context of healthy population screening.

Literature cited by the submitters: PubMed 36785559.